The following is an entry in ClinVar:

NM_000051.4(ATM):c.4909+2T>C

Gene: ATM (ATM serine/threonine kinase; plus strand). Cytogenetic location: 11q22.3.
Variant type: single nucleotide variant.
Coding change: c.4909+2T>C on transcript NM_000051.4 (MANE Select); the canonical splice donor site of the intron after coding-DNA position 4909, T replaced by C.
Molecular consequence: splice donor variant.
Genome position (GRCh38, 1-based): chr11:108,295,061, T>C. VCF-style: chr11-108295061-T-C. GRCh37 (hg19) VCF-style: chr11-108165788-T-C.
Other names: c.4909+2T>C (NM_000051.3, NM_001351834.2).
Identifiers: ClinVar variation 3148101 (VCV003148101.2), dbSNP rs2135838442, ClinGen allele CA382537331.

ClinVar aggregate classification (germline): Pathogenic/Likely pathogenic. Review status: criteria provided, multiple submitters, no conflicts (2 of 4 stars). 2 submissions from 2 submitters: Pathogenic (1); Likely pathogenic (1). Last evaluated 2025-08-12.

Conditions:
Familial cancer of breast. Also called: BREAST CANCER, FAMILIAL; Hereditary breast cancer; hereditary breast carcinoma. Identifiers: Orphanet 227535, MedGen C0346153, MONDO:0016419, OMIM 114480. Disease mechanism: loss of function.
Hereditary cancer-predisposing syndrome. Also called: Neoplastic Syndromes, Hereditary; Tumor predisposition; Hereditary neoplastic syndrome; Hereditary Cancer Syndrome. Identifiers: Orphanet 140162, MedGen C0027672, MeSH D009386, MONDO:0015356.

Submissions (2):

Ambry Genetics
Classification: Likely pathogenic for Hereditary cancer-predisposing syndrome. Last evaluated: 2025-08-12. Review status: criteria provided, single submitter. Criteria: Ambry Variant Classification Scheme 2023. Collection method: clinical testing. Allele origin: germline.
Comment: The c.4909+2T>C intronic variant results from a T to C substitution two nucleotides after coding exon 31 in the ATM gene. Other variant(s) impacting the same donor site (c.4909+1G>A) have been identified in individual(s) with features consistent with ATM-related cancer predisposition (Ambry internal data). This variant is considered to be rare based on population cohorts in the Genome Aggregation Database (gnomAD). This nucleotide position is well conserved in available vertebrate species. In silico splice site analysis predicts that this alteration will weaken the native splice donor site. Alterations that disrupt the canonical splice site are expected to cause aberrant splicing, resulting in an abnormal protein or a transcript that is subject to nonsense-mediated mRNA decay. As such, this alteration is classified as likely pathogenic.

Myriad Genetics, Inc.
Classification: Pathogenic for Familial cancer of breast. Last evaluated: 2024-01-25. Review status: criteria provided, single submitter. Criteria: Myriad Autosomal Dominant, Autosomal Recessive and X-Linked Classification Criteria (2023). Collection method: clinical testing. Allele origin: unknown.
Comment: This variant is considered pathogenic. This variant occurs within a consensus splice junction and is predicted to result in abnormal mRNA splicing of either an out-of-frame exon or an in-frame exon necessary for protein stability and/or normal function. This variant has been reported in multiple individuals with clinical features of gene-specific disease [PMID: 29489040, 9887333].

Literature cited by the submitters: PubMed 29489040 (cited by Myriad Genetics, Inc.); PubMed 9887333 (cited by Myriad Genetics, Inc.).